The following is an entry in ClinVar:

NM_000059.4(BRCA2):c.9344A>G (p.Lys3115Arg)

Gene: BRCA2 (BRCA2 DNA repair associated; plus strand). Cytogenetic location: 13q13.1.
Variant type: single nucleotide variant.
Coding change: c.9344A>G on transcript NM_000059.4 (MANE Select); coding-DNA position 9344, A replaced by G.
Protein change: p.Lys3115Arg; replaces lysine 3115 with arginine.
Molecular consequence: missense variant.
Genome position (GRCh38, 1-based): chr13:32,394,776, A>G. VCF-style: chr13-32394776-A-G. GRCh37 (hg19) VCF-style: chr13-32968913-A-G.
Other names: short protein forms K3115R.
Identifiers: ClinVar variation 52817 (VCV000052817.44), dbSNP rs276174923, ClinGen allele CA026108.

ClinVar aggregate classification (germline): Conflicting classifications of pathogenicity. Review status: criteria provided, conflicting classifications (1 of 4 stars). 14 submissions from 14 submitters: Uncertain significance (9); Benign (1); Likely benign (1). 3 of the submissions do not count toward it. Last evaluated 2026-03-18.

Conditions:
BRCA2-related cancer predisposition. Identifiers: MedGen CN377758, MONDO:0700269.
Hereditary cancer-predisposing syndrome. Also called: Neoplastic Syndromes, Hereditary; Tumor predisposition; Hereditary Cancer Syndrome; Hereditary neoplastic syndrome. Identifiers: Orphanet 140162, MedGen C0027672, MeSH D009386, MONDO:0015356.
Familial prostate cancer. Also called: Hereditary Prostate Cancer. Identifiers: MedGen C2931456, MONDO:0700275, OMIM 176807.
Hereditary breast ovarian cancer syndrome. Also called: Breast and ovarian cancer; Hereditary breast and ovarian cancer; Hereditary breast and ovarian cancer syndrome (HBOC); Hereditary breast and ovarian cancer syndrome; BRCA1- and BRCA2-Associated Hereditary Breast and Ovarian Cancer; Hereditary breast and/or ovarian cancer syndrome. Identifiers: Orphanet 145, MedGen C0677776, MeSH D061325, MONDO:0003582. Disease mechanism: loss of function.
Breast-ovarian cancer, familial, susceptibility to, 2 (BROVCA2). Also called: BRCA2 Hereditary Breast and Ovarian Cancer. Identifiers: Orphanet 145, MedGen C2675520, MONDO:0012933, OMIM 612555. Disease mechanism: loss of function.

Allele frequency attached by ClinVar (database versions not stated): gnomAD below 0.00001 and 0.00001; gnomAD exomes 0.00004; ExAC 0.00005.

Submissions (14):

Women's Health and Genetics/Laboratory Corporation of America, LabCorp
Classification: Uncertain significance. Last evaluated: 2026-03-18. Review status: criteria provided, single submitter. Criteria: LabCorp Variant Classification Summary - May 2015. Collection method: clinical testing. Allele origin: germline.
Comment: Variant summary: BRCA2 c.9344A>G (p.Lys3115Arg) results in a conservative amino acid change located in the BRCA2, OB3 domain (IPR015188) of the encoded protein sequence. Algorithms developed to predict the effect of missense changes on protein structure and function all suggest that this variant is likely to be tolerated. The variant allele was found at a frequency of 4e-05 in 251298 control chromosomes. This frequency is not significantly higher than estimated for disease-causing variants in BRCA2, allowing no conclusion about variant significance. c.9344A>G has been observed in individual(s) affected with Breast Cancer (e.g. Lai_2017, Sharma-Oates_2018, Casadei_2019). These report(s) do not provide unequivocal conclusions about association of the variant with Hereditary Breast And Ovarian Cancer Syndrome. At least one publication reports experimental evidence evaluating an impact on protein function (Sullivan_2021). The authors concluded a neutral outcome based on an mESC functional assay that was indistinguishable from wild type and no sensitivity to 6 different DNA damaging agents. The following publications have been ascertained in the context of this evaluation (PMID: 31843900, 28222693, 35693198, 33314489). ClinVar contains an entry for this variant (Variation ID: 52817). Based on the evidence outlined above, the variant was classified as uncertain significance.

Labcorp Genetics (formerly Invitae), Labcorp
Classification: Uncertain significance for Hereditary breast ovarian cancer syndrome. Last evaluated: 2026-01-19. Review status: criteria provided, single submitter. Criteria: Invitae Variant Classification Sherloc (09022015). Collection method: clinical testing. Allele origin: germline.
Comment: This sequence change replaces lysine, which is basic and polar, with arginine, which is basic and polar, at codon 3115 of the BRCA2 protein (p.Lys3115Arg). This variant is present in population databases (rs276174923, gnomAD 0.03%). This missense change has been observed in individual(s) with breast cancer (PMID: 33314489, 36200007). ClinVar contains an entry for this variant (Variation ID: 52817). Invitae Evidence Modeling of protein sequence and biophysical properties (such as structural, functional, and spatial information, amino acid conservation, physicochemical variation, residue mobility, and thermodynamic stability) indicates that this missense variant is not expected to disrupt BRCA2 protein function with a negative predictive value of 95%. Experimental studies have shown that this missense change does not substantially affect BRCA2 function (PMID: 33314489). In summary, the available evidence is currently insufficient to determine the role of this variant in disease. Therefore, it has been classified as a Variant of Uncertain Significance.

All of Us Research Program, National Institutes of Health
Classification: Uncertain significance for BRCA2-related cancer predisposition. Last evaluated: 2024-06-17. Review status: criteria provided, single submitter. Criteria: ACMG Guidelines, 2015. Collection method: clinical testing. Allele origin: germline. Inheritance: Autosomal dominant inheritance. Observed: 2 variant alleles, 2 heterozygotes.
Comment: This missense variant replaces lysine with arginine at codon 3115 of the BRCA2 protein. Computational prediction suggests that this variant may not impact protein structure and function (internally defined REVEL score threshold <= 0.5, PMID: 27666373). A functional study has shown this variant was able to rescue Brca2-deficient mouse embryonic stem cells in sensitivity assays to DNA damaging agents (PMID: 33314489). This variant has been reported in one individual affected with breast cancer and two unaffected individuals (PMID: 33314489, 33471991; Leiden Open Variation Database DB-ID BRCA2_007522). This variant has been identified in 10/251298 chromosomes in the general population by the Genome Aggregation Database (gnomAD). The available evidence is insufficient to determine the role of this variant in disease conclusively. Therefore, this variant is classified as a Variant of Uncertain Significance.

This study involves interpretation of variants in research participants for the purpose of population health screening. Participant phenotype was not available at the time of variant classification. Additional details can be found in publication PMID: 35346344, PMCID: PMC8962531

Color Diagnostics, LLC DBA Color Health
Classification: Uncertain significance for Hereditary cancer-predisposing syndrome. Last evaluated: 2024-06-06. Review status: criteria provided, single submitter. Criteria: ACMG Guidelines, 2015. Collection method: clinical testing. Allele origin: germline.
Comment: This missense variant replaces lysine with arginine at codon 3115 of the BRCA2 protein. Computational prediction suggests that this variant may not impact protein structure and function. A functional study has shown this variant was able to rescue Brca2-deficient mouse embryonic stem cells in sensitivity assays to DNA damaging agents (PMID: 33314489). This variant has been reported in two individuals affected with breast cancer and two unaffected individuals (PMID: 33314489, 33471991; Leiden Open Variation Database DB-ID BRCA2_007522, 36200007). This variant has been identified in 10/251298 chromosomes in the general population by the Genome Aggregation Database (gnomAD). The available evidence is insufficient to determine the role of this variant in disease conclusively. Therefore, this variant is classified as a Variant of Uncertain Significance.

Myriad Genetics, Inc.
Classification: Benign for Breast-ovarian cancer, familial, susceptibility to, 2. Last evaluated: 2024-05-13. Review status: criteria provided, single submitter. Criteria: Myriad Autosomal Dominant, Autosomal Recessive and X-Linked Classification Criteria (2023). Collection method: clinical testing. Allele origin: unknown.
Comment: This variant is considered benign. This variant is strongly associated with less severe personal and family histories of cancer, typical for individuals without pathogenic variants in this gene [PMID: 25085752]. This variant has been observed in conjunction with multiple pathogenic variants, reducing the likelihood this variant itself is pathogenic.

Ambry Genetics
Classification: Likely benign for Hereditary cancer-predisposing syndrome. Last evaluated: 2023-05-10. Review status: criteria provided, single submitter. Criteria: Ambry Variant Classification Scheme 2023. Collection method: clinical testing. Allele origin: germline.

Institute for Biomarker Research, Medical Diagnostic Laboratories, L.L.C.
Classification: Uncertain significance for Hereditary breast ovarian cancer syndrome. Last evaluated: 2023-04-18. Review status: criteria provided, single submitter. Criteria: ACMG Guidelines, 2015. Collection method: clinical testing. Allele origin: germline.

Quest Diagnostics Nichols Institute San Juan Capistrano
Classification: Uncertain significance. Last evaluated: 2023-02-07. Review status: criteria provided, single submitter. Criteria: Quest Diagnostics criteria. Collection method: clinical testing. Allele origin: unknown.
Comment: The frequency of this variant in the general population, 0.00029 (9/30608 chromosomes), is uninformative in assessment of its pathogenicity. In the published literature, the variant has been reported have no effect on BRCA2 mRNA splicing (PMID: 31843900 (2019)). In a large-scale breast cancer association study, the variant was observed in an unaffected individual (PMID: 33471991 (2021), ). Analysis of this variant using bioinformatics tools for the prediction of the effect of amino acid changes on protein structure and function yielded predictions that this variant is benign. Based on the available information, we are unable to determine the clinical significance of this variant.

GeneDx
Classification: Uncertain significance. Last evaluated: 2022-09-24. Review status: criteria provided, single submitter. Criteria: GeneDx Variant Classification Process June 2021. Collection method: clinical testing. Allele origin: germline. Affected: yes.
Comment: In silico analysis supports that this missense variant does not alter protein structure/function; Has not been previously published as pathogenic or benign to our knowledge; Also known as 9572A>G; This variant is associated with the following publications: (PMID: 10923033, 31843900, 12228710)

Genetics and Molecular Pathology, SA Pathology
Classification: Uncertain significance for Breast-ovarian cancer, familial, susceptibility to, 2. Last evaluated: 2022-05-25. Review status: criteria provided, single submitter. Criteria: ACMG Guidelines, 2015. Collection method: clinical testing. Allele origin: germline. Affected: yes.

Department of Pathology and Laboratory Medicine, Sinai Health System
Classification: Uncertain significance for Familial prostate cancer. Last evaluated: 2022-01-04. Review status: criteria provided, single submitter. Criteria: ACMG Guidelines, 2015. Collection method: clinical testing. Allele origin: germline. Affected: yes.

King Laboratory, University of Washington
Classification: Benign. Last evaluated: 2019-09-01. Review status: no assertion criteria provided. Collection method: research. Allele origin: germline. Affected: yes. Not counted in ClinVar's aggregate classification.
Comment: Transcript analysis by cBROCA

Counsyl
Classification: Uncertain significance for Breast-ovarian cancer, familial, susceptibility to, 2. Last evaluated: 2015-11-21. Review status: no assertion criteria provided. Collection method: clinical testing. Allele origin: unknown. Not counted in ClinVar's aggregate classification.

Breast Cancer Information Core (BIC) (BRCA2)
Classification: Uncertain significance for Breast-ovarian cancer, familial 2. Last evaluated: 2010-09-18. Review status: no assertion criteria provided. Collection method: clinical testing. Allele origin: germline. Affected: yes. Observed: 1 variant allele. Not counted in ClinVar's aggregate classification.

Literature cited by the submitters: PubMed 28222693 (cited by Women's Health and Genetics/Laboratory Corporation of America, LabCorp); PubMed 31843900 (cited by 3 submitters); PubMed 33314489 (cited by 4 submitters); PubMed 35693198 (cited by Women's Health and Genetics/Laboratory Corporation of America, LabCorp and Quest Diagnostics Nichols Institute San Juan Capistrano); PubMed 36200007 (cited by 3 submitters); PubMed 33471991 (cited by 3 submitters); PubMed 25085752 (cited by Myriad Genetics, Inc.).